The following is an entry in ClinVar:

NM_004655.4(AXIN2):c.2387G>C (p.Ser796Thr)

Gene: AXIN2 (axin 2; minus strand). Cytogenetic location: 17q24.1.
Variant type: single nucleotide variant.
Coding change: c.2387G>C on transcript NM_004655.4 (MANE Select); coding-DNA position 2387, G replaced by C.
Protein change: p.Ser796Thr; replaces serine 796 with threonine.
Molecular consequence: missense variant.
Genome position (GRCh38, 1-based): chr17:65,533,930, C>G on the plus strand (G>C on the coding strand, the complement: AXIN2 is on the minus strand). VCF-style: chr17-65533930-C-G. GRCh37 (hg19) VCF-style: chr17-63530048-C-G.
Other names: c.2192G>C, p.Ser731Thr (NM_001363813.1); short protein forms S731T, S796T.
Identifiers: ClinVar variation 5032532 (VCV005032532.1).

ClinVar aggregate classification (germline): Uncertain significance (1 of 4 stars; one submission).

Conditions:
Hereditary cancer-predisposing syndrome. Also called: Neoplastic Syndromes, Hereditary; Tumor predisposition; Hereditary neoplastic syndrome; Hereditary Cancer Syndrome. Identifiers: Orphanet 140162, MedGen C0027672, MeSH D009386, MONDO:0015356.

Submission:

Ambry Genetics
Classification: Uncertain significance for Hereditary cancer-predisposing syndrome. Last evaluated: 2026-07-04. Review status: criteria provided, single submitter. Criteria: Ambry Variant Classification Scheme 2023. Collection method: clinical testing. Allele origin: germline.
Comment: The p.S796T variant (also known as c.2387G>C), located in coding exon 9 of the AXIN2 gene, results from a G to C substitution at nucleotide position 2387. The serine at codon 796 is replaced by threonine, an amino acid with similar properties. This amino acid position is conserved. In addition, this alteration is predicted to be tolerated by in silico analysis. Based on the available evidence, the clinical significance of this variant remains unclear.